The following is an entry in ClinVar:

NM_001844.5(COL2A1):c.1369G>T (p.Glu457Ter)

Gene: COL2A1 (collagen type II alpha 1 chain; minus strand). Cytogenetic location: 12q13.11.
Variant type: single nucleotide variant.
Coding change: c.1369G>T on transcript NM_001844.5 (MANE Select); coding-DNA position 1369, G replaced by T.
Protein change: p.Glu457Ter; replaces glutamic acid 457 with a stop codon.
Molecular consequence: nonsense.
Genome position (GRCh38, 1-based): chr12:47,986,885, C>A on the plus strand (G>T on the coding strand, the complement: COL2A1 is on the minus strand). VCF-style: chr12-47986885-C-A. GRCh37 (hg19) VCF-style: chr12-48380668-C-A.
Other names: c.1162G>T, p.Glu388Ter (NM_033150.3); short protein forms E457*, E388*.
Identifiers: ClinVar variation 489070 (VCV000489070.2), dbSNP rs1555167368, ClinGen allele CA384553435.

ClinVar aggregate classification (germline): Pathogenic (1 of 4 stars; one submission).

Submission:

GeneDx
Classification: Pathogenic. Last evaluated: 2017-10-26. Review status: criteria provided, single submitter. Criteria: GeneDx Variant Classification (06012015). Collection method: clinical testing. Allele origin: germline. Affected: yes.
Comment: The E457X likely pathogenic variant in the COL2A1 gene has not been reported as a pathogenic or benign to our knowledge. This variant is predicted to cause loss of normal protein function either by protein truncation or nonsense-mediated mRNA decay. Other nonsense variants in the COL2A1 gene have been reported in Human Gene Mutation Database in association with Stickler syndrome and other COL2A1-related disorders (Stenson et al., 2014). Furthermore, the E457X variant is not observed in large population cohorts (Lek et al., 2016).